The following is an entry in ClinVar:

NM_002317.7(LOX):c.1058A>T (p.Asp353Val)

Genes: LOX (lysyl oxidase; minus strand), SRFBP1 (serum response factor binding protein 1; plus strand). Cytogenetic location: 5q23.1.
Variant type: single nucleotide variant.
Coding change: c.1058A>T on transcript NM_002317.7 (MANE Select); coding-DNA position 1058, A replaced by T.
Protein change: p.Asp353Val; replaces aspartic acid 353 with valine.
Molecular consequence: missense variant.
Genome position (GRCh38, 1-based): chr5:122,070,567, T>A on the plus strand (A>T on the coding strand, the complement: LOX is on the minus strand). VCF-style: chr5-122070567-T-A. GRCh37 (hg19) VCF-style: chr5-121406262-T-A.
Other names: c.368A>T, p.Asp123Val (NM_001178102.2); c.167A>T, p.Asp56Val (NM_001317073.1); short protein forms D353V, D56V, D123V.
Identifiers: ClinVar variation 4772718 (VCV004772718.1).

ClinVar aggregate classification (germline): Uncertain significance (1 of 4 stars; one submission).

Submission:

Labcorp Genetics (formerly Invitae), Labcorp
Classification: Uncertain significance. Last evaluated: 2025-07-19. Review status: criteria provided, single submitter. Criteria: Invitae Variant Classification Sherloc (09022015). Collection method: clinical testing. Allele origin: germline.
Comment: This sequence change replaces aspartic acid, which is acidic and polar, with valine, which is neutral and non-polar, at codon 353 of the LOX protein (p.Asp353Val). This variant is not present in population databases (gnomAD no frequency). This variant has not been reported in the literature in individuals affected with LOX-related conditions. Invitae Evidence Modeling of protein sequence and biophysical properties (such as structural, functional, and spatial information, amino acid conservation, physicochemical variation, residue mobility, and thermodynamic stability) indicates that this missense variant is expected to disrupt LOX protein function with a positive predictive value of 95%. In summary, the available evidence is currently insufficient to determine the role of this variant in disease. Therefore, it has been classified as a Variant of Uncertain Significance.